The following is an entry in ClinVar:

ClinVar aggregate classification (germline): Uncertain significance (1 of 4 stars; one submission).

Submission:

Dasa
Classification: Uncertain significance. Last evaluated: 2026-05-21. Review status: criteria provided, single submitter. Criteria: DASA Assertion Criteria. Collection method: clinical testing. Allele origin: germline.
Comment: NM_014975.3(MAST1):c.3842C>A (p.Ala1281Glu) is a missense variant that results in the substitution of alanine with glutamic acid. This variant is rare in population databases. Computational prediction algorithms are consistent with a benign effect. The currently available literature and clinical evidence are not sufficient to establish a definitive association between this variant and the reported condition. Therefore, this variant is classified as a variant of uncertain significance.

NM_014975.3(MAST1):c.3842C>A (p.Ala1281Glu)

Gene: MAST1 (microtubule associated serine/threonine kinase 1; plus strand). Cytogenetic location: 19p13.13.
Variant type: single nucleotide variant.
Coding change: c.3842C>A on transcript NM_014975.3 (MANE Select); coding-DNA position 3842, C replaced by A.
Protein change: p.Ala1281Glu; replaces alanine 1281 with glutamic acid.
Molecular consequence: missense variant.
Genome position (GRCh38, 1-based): chr19:12,873,999, C>A. VCF-style: chr19-12873999-C-A. GRCh37 (hg19) VCF-style: chr19-12984813-C-A.
Other names: short protein forms A1281E.
Identifiers: ClinVar variation 5020520 (VCV005020520.1).